The following is an entry in ClinVar:

ClinVar aggregate classification (germline): Likely benign (1 of 4 stars; one submission).

Allele frequency attached by ClinVar (database versions not stated): gnomAD exomes below 0.00001.
gnomAD v4.1: 6 of 1,564,866 alleles (0.00038%); highest among the groups gnomAD compares: Non-Finnish European, 0.00052%; no homozygotes.

Submission:

CeGaT Center for Human Genetics Tuebingen
Classification: Likely benign. Last evaluated: 2023-03-01. Review status: criteria provided, single submitter. Criteria: CeGaT Center For Human Genetics Tuebingen Variant Classification Criteria Version 2. Collection method: clinical testing. Allele origin: germline. Affected: yes. Observed: 1 variant allele.
Comment: CACNA1A: PM2:Supporting, BP4, BP7

NM_001127222.2(CACNA1A):c.6327G>A (p.Gly2109=)

Gene: CACNA1A (calcium voltage-gated channel subunit alpha1 A; minus strand). Cytogenetic location: 19p13.13.
Variant type: single nucleotide variant.
Coding change: c.6327G>A on transcript NM_001127222.2 (MANE Select); coding-DNA position 6327, G replaced by A.
Protein change: p.Gly2109=; no amino-acid change (glycine 2109 retained).
Molecular consequence: synonymous variant.
Genome position (GRCh38, 1-based): chr19:13,210,629, C>T on the plus strand (G>A on the coding strand, the complement: CACNA1A is on the minus strand). VCF-style: chr19-13210629-C-T. GRCh37 (hg19) VCF-style: chr19-13321443-C-T.
Other names: c.6345G>A, p.Gly2115= (NM_000068.4, NM_023035.3); c.6330G>A, p.Gly2110= (NM_001127221.2); c.6336G>A, p.Gly2112= (NM_001174080.2).
Identifiers: ClinVar variation 2498759 (VCV002498759.28), dbSNP rs2512526123, ClinGen allele CA505659626.